The following is an entry in ClinVar:

ClinVar aggregate classification (germline): Uncertain significance (1 of 4 stars; one submission).

Conditions:
Alpha thalassemia-X-linked intellectual disability syndrome (ATRX). Also called: ALPHA-THALASSEMIA/MENTAL RETARDATION SYNDROME, X-LINKED; ATR, NONDELETION TYPE; ATR-X syndrome; Alpha thalassemia mental retardation syndrome, nondeletion type, X-linked; XLMR hypotonic face syndrome; X-linked alpha-thalassemia-mental retardation syndrome. Identifiers: Orphanet 847, MedGen C1845055, MONDO:0010519, OMIM 301040.

Submission:

Labcorp Genetics (formerly Invitae), Labcorp
Classification: Uncertain significance for Alpha thalassemia-X-linked intellectual disability syndrome. Last evaluated: 2024-12-06. Review status: criteria provided, single submitter. Criteria: Invitae Variant Classification Sherloc (09022015). Collection method: clinical testing. Allele origin: germline.
Comment: This sequence change replaces lysine, which is basic and polar, with arginine, which is basic and polar, at codon 986 of the ATRX protein (p.Lys986Arg). This variant is not present in population databases (gnomAD no frequency). This variant has not been reported in the literature in individuals affected with ATRX-related conditions. Invitae Evidence Modeling of protein sequence and biophysical properties (such as structural, functional, and spatial information, amino acid conservation, physicochemical variation, residue mobility, and thermodynamic stability) indicates that this missense variant is not expected to disrupt ATRX protein function with a negative predictive value of 95%. In summary, the available evidence is currently insufficient to determine the role of this variant in disease. Therefore, it has been classified as a Variant of Uncertain Significance.

NM_000489.6(ATRX):c.2957A>G (p.Lys986Arg)

Gene: ATRX (ATRX chromatin remodeler; minus strand). Cytogenetic location: Xq21.1.
Variant type: single nucleotide variant.
Coding change: c.2957A>G on transcript NM_000489.6 (MANE Select); coding-DNA position 2957, A replaced by G.
Protein change: p.Lys986Arg; replaces lysine 986 with arginine.
Molecular consequence: missense variant.
Genome position (GRCh38, 1-based): chrX:77,682,299, T>C on the plus strand (A>G on the coding strand, the complement: ATRX is on the minus strand). VCF-style: chrX-77682299-T-C. GRCh37 (hg19) VCF-style: chrX-76937791-T-C.
Other names: c.2843A>G, p.Lys948Arg (NM_138270.5); short protein forms K948R, K986R.
Identifiers: ClinVar variation 3634993 (VCV003634993.2).
Genomic context (GRCh38, chrX:77,682,299, plus strand): 5'-TCCATTTTAATTACTTTTTTCTTAAAGTCTGAAGGTTTCTTTTTTTCTTCAGTTCCCTTT[T>C]TGCTCTGCTTTTTATCATCTTCAGAAGTTTCATCGCTCTGGTCTTTCTTTAGGAATTTCT-3'
Protein context (NP_000480.3, residues 976-996): ETSEDDKKQS[Lys986Arg]KGTEEKKKPS